The following is an entry in ClinVar:

NM_001940.4(ATN1):c.1426G>A (p.Val476Ile)

Gene: ATN1 (atrophin 1; plus strand). Cytogenetic location: 12p13.31.
Variant type: single nucleotide variant.
Coding change: c.1426G>A on transcript NM_001940.4 (MANE Select); coding-DNA position 1426, G replaced by A.
Protein change: p.Val476Ile; replaces valine 476 with isoleucine.
Molecular consequence: missense variant.
Genome position (GRCh38, 1-based): chr12:6,936,693, G>A. VCF-style: chr12-6936693-G-A. GRCh37 (hg19) VCF-style: chr12-7045856-G-A.
Other names: c.1426G>A, p.Val476Ile (NM_001007026.2, NM_001424176.1, NM_001424177.1 and 2 more transcripts); c.1423G>A, p.Val475Ile (NM_001424179.1, NM_001424180.1, NM_001424182.1); short protein forms V475I, V476I.
Identifiers: ClinVar variation 2630510 (VCV002630510.1), dbSNP rs1555143728, ClinGen allele CA383726039.

ClinVar aggregate classification (germline): Uncertain significance (1 of 4 stars; one submission).

Conditions:
ATN1-related disorder. Also called: ATN1-related condition; ATN1-related disorders.

Submission:

PreventionGenetics, part of Exact Sciences
Classification: Uncertain significance for ATN1-related condition. Last evaluated: 2023-02-26. Review status: criteria provided, single submitter. Criteria: ACMG Guidelines, 2015. Collection method: clinical testing. Allele origin: germline.
Comment: The ATN1 c.1426G>A variant is predicted to result in the amino acid substitution p.Val476Ile. To our knowledge, this variant has not been reported in the literature or in a large population database, indicating this variant is rare. At this time, the clinical significance of this variant is uncertain due to the absence of conclusive functional and genetic evidence.